The following is an entry in ClinVar:

NM_145207.3(AFG2A):c.372G>T (p.Arg124Ser)

Gene: AFG2A (AFG2 AAA ATPase homolog A; plus strand). Cytogenetic location: 4q28.1.
Variant type: single nucleotide variant.
Coding change: c.372G>T on transcript NM_145207.3 (MANE Select); coding-DNA position 372, G replaced by T.
Protein change: p.Arg124Ser; replaces arginine 124 with serine.
Molecular consequence: missense variant.
Genome position (GRCh38, 1-based): chr4:122,929,123, G>T. VCF-style: chr4-122929123-G-T. GRCh37 (hg19) VCF-style: chr4-123850278-G-T.
Other names: c.369G>T, p.Arg123Ser (NM_001317799.2, NM_001345856.2); short protein forms R123S, R124S.
Identifiers: ClinVar variation 3036097 (VCV003036097.2), dbSNP rs1728586234, ClinGen allele CA358100005.

ClinVar aggregate classification (germline): Uncertain significance (0 of 4 stars; one submission).

Conditions:
AFG2A-related disorder. Also called: AFG2A-related condition.

Allele frequency attached by ClinVar (database versions not stated): gnomAD exomes below 0.00001.
gnomAD v4.1: 1 of 1,613,618 alleles (0.000062%); highest among the groups gnomAD compares: Non-Finnish European, 0.000085%; no homozygotes.

Submission:

PreventionGenetics, part of Exact Sciences
Classification: Uncertain significance for AFG2A-related condition. Last evaluated: 2023-11-21. Review status: no assertion criteria provided. Collection method: clinical testing. Allele origin: germline.
Comment: The AFG2A c.372G>T variant is predicted to result in the amino acid substitution p.Arg124Ser. To our knowledge, this variant has not been reported in the literature or in a large population database, indicating this variant is rare. At this time, the clinical significance of this variant is uncertain due to the absence of conclusive functional and genetic evidence.